The following is an entry in ClinVar:

NM_000434.4(NEU1):c.461T>C (p.Phe154Ser)

Gene: NEU1 (neuraminidase 1; minus strand). Cytogenetic location: 6p21.33.
Variant type: single nucleotide variant.
Coding change: c.461T>C on transcript NM_000434.4 (MANE Select); coding-DNA position 461, T replaced by C.
Protein change: p.Phe154Ser; replaces phenylalanine 154 with serine.
Molecular consequence: missense variant.
Genome position (GRCh38, 1-based): chr6:31,861,342, A>G on the plus strand (T>C on the coding strand, the complement: NEU1 is on the minus strand). VCF-style: chr6-31861342-A-G. GRCh37 (hg19) VCF-style: chr6-31829119-A-G.
Other names: short protein forms F154S.
Identifiers: ClinVar variation 1398763 (VCV001398763.3), dbSNP rs764206742, ClinGen allele CA3725028.
Genomic context (GRCh38, chr6:31,861,342, plus strand): 5'-CTCCATACCAACATGGTAGAGGCCACCTGGCAGCCGGCCTTGTGAGCACAAAGGGAGTAG[A>G]AAAGAAATACTACTCCTGTCTCAACATCGCTCACTACTGCCCCAAGGTTCAGCCCATCGG-3'
Protein context (NP_000425.1, residues 144-164): SDVETGVVFL[Phe154Ser]YSLCAHKAGC

ClinVar aggregate classification (germline): Uncertain significance (1 of 4 stars; one submission).

Allele frequency attached by ClinVar (database versions not stated): gnomAD exomes 0.00001 and 0.00002; TOPMed 0.00003; ExAC 0.00004.
gnomAD v4.1: 5 of 1,613,020 alleles (0.00031%); highest among the groups gnomAD compares: Admixed American, 0.0083%; no homozygotes.

Submission:

Labcorp Genetics (formerly Invitae), Labcorp
Classification: Uncertain significance. Last evaluated: 2021-10-13. Review status: criteria provided, single submitter. Criteria: Invitae Variant Classification Sherloc (09022015). Collection method: clinical testing. Allele origin: germline.
Comment: This sequence change replaces phenylalanine with serine at codon 154 of the NEU1 protein (p.Phe154Ser). The phenylalanine residue is moderately conserved and there is a large physicochemical difference between phenylalanine and serine. This variant is present in population databases (rs764206742, ExAC 0.04%). This variant has not been reported in the literature in individuals affected with NEU1-related conditions. Algorithms developed to predict the effect of missense changes on protein structure and function are either unavailable or do not agree on the potential impact of this missense change (SIFT: "Deleterious"; PolyPhen-2: "Possibly Damaging"; Align-GVGD: "Class C0"). In summary, the available evidence is currently insufficient to determine the role of this variant in disease. Therefore, it has been classified as a Variant of Uncertain Significance.